The following is an entry in ClinVar:

NM_005188.4(CBL):c.2256A>C (p.Glu752Asp)

Gene: CBL (Cbl proto-oncogene; plus strand). Cytogenetic location: 11q23.3.
Variant type: single nucleotide variant.
Coding change: c.2256A>C on transcript NM_005188.4 (MANE Select); coding-DNA position 2256, A replaced by C.
Protein change: p.Glu752Asp; replaces glutamic acid 752 with aspartic acid.
Molecular consequence: missense variant.
Genome position (GRCh38, 1-based): chr11:119,298,362, A>C. VCF-style: chr11-119298362-A-C. GRCh37 (hg19) VCF-style: chr11-119169072-A-C.
Other names: short protein forms E752D.
Identifiers: ClinVar variation 3995989 (VCV003995989.2).
Genomic context (GRCh38, chr11:119,298,362, plus strand): 5'-ATGTATTAGAAGATGAAGTGCGTCAGAAGAAGATAACATCACTCATTTTTCTCCAGGTGA[A>C]GGGAATTTGGCCGCAGCCCATGCCAACACTGGTCCCGAGGAGTCAGAAAATGAGGATGAT-3'
Protein context (NP_005179.2, residues 742-762): PSITESSTFG[Glu752Asp]GNLAAAHANT

ClinVar aggregate classification (germline): Uncertain significance. Review status: criteria provided, multiple submitters, no conflicts (2 of 4 stars). 2 submissions from 2 submitters: Uncertain significance (2). Last evaluated 2025-06-13.

Conditions:
Cardiovascular phenotype. Identifiers: MedGen CN230736.

Submissions (2):

GeneDx
Classification: Uncertain significance. Last evaluated: 2025-06-13. Review status: criteria provided, single submitter. Criteria: GeneDx Variant Classification Process June 2021. Collection method: clinical testing. Allele origin: germline. Affected: yes.
Comment: Not observed at significant frequency in large population cohorts (gnomAD); In silico analysis supports that this missense variant does not alter protein structure/function; Has not been previously published as pathogenic or benign to our knowledge

Ambry Genetics
Classification: Uncertain significance for Cardiovascular phenotype. Last evaluated: 2025-03-28. Review status: criteria provided, single submitter. Criteria: Ambry Variant Classification Scheme 2023. Collection method: clinical testing. Allele origin: germline.
Comment: The p.E752D variant (also known as c.2256A>C), located in coding exon 15 of the CBL gene, results from an A to C substitution at nucleotide position 2256. The glutamic acid at codon 752 is replaced by aspartic acid, an amino acid with highly similar properties. This amino acid position is conserved. In addition, this alteration is predicted to be tolerated by in silico analysis. Based on the available evidence, the clinical significance of this variant remains unclear.